The following is an entry in ClinVar:

NM_003072.5(SMARCA4):c.2838del (p.Phe947fs)

Gene: SMARCA4 (SWI/SNF related BAF chromatin remodeling complex subunit ATPase 4; plus strand). Cytogenetic location: 19p13.2.
Variant type: Deletion.
Coding change: c.2838del on transcript NM_003072.5 (MANE Select); coding-DNA position 2838, one base deleted (C; older notation c.2838delC).
Protein change: p.Phe947fs; shifts the reading frame from phenylalanine 947.
Molecular consequence: frameshift variant. On other transcripts: non-coding transcript variant (1).
Genome position (GRCh38, 1-based): chr19:11,021,946, C deleted; the last of 3 consecutive C bases (chr19:11,021,944-11,021,946); deleting any one gives the same sequence. VCF-style (leftmost placement, unchanged base first): chr19-11021943-AC-A. GRCh37 (hg19) VCF-style: chr19-11132619-AC-A.
Other names: c.2838del, p.Phe947fs (NM_001128844.3, NM_001128845.2, NM_001128846.2 and 5 more transcripts); short protein forms F947fs.
Identifiers: ClinVar variation 1396816 (VCV001396816.8), dbSNP rs2146423140, ClinGen allele CA645613811.

ClinVar aggregate classification (germline): Pathogenic. Review status: criteria provided, multiple submitters, no conflicts (2 of 4 stars). 2 submissions from 2 submitters: Pathogenic (2). Last evaluated 2021-04-16.

Conditions:
Hereditary cancer-predisposing syndrome. Also called: Hereditary Cancer Syndrome; Hereditary neoplastic syndrome; Tumor predisposition; Neoplastic Syndromes, Hereditary. Identifiers: Orphanet 140162, MedGen C0027672, MeSH D009386, MONDO:0015356.
Rhabdoid tumor predisposition syndrome 2 (RTPS2). Identifiers: Orphanet 231108, Orphanet 69077, MedGen C2750074, MONDO:0013224, OMIM 613325.

Submissions (2):

Labcorp Genetics (formerly Invitae), Labcorp
Classification: Pathogenic for Rhabdoid tumor predisposition syndrome 2. Last evaluated: 2021-04-16. Review status: criteria provided, single submitter. Criteria: Invitae Variant Classification Sherloc (09022015). Collection method: clinical testing. Allele origin: germline.
Comment: For these reasons, this variant has been classified as Pathogenic. This variant has not been reported in the literature in individuals with SMARCA4-related conditions. This variant is not present in population databases (ExAC no frequency). This sequence change creates a premature translational stop signal (p.Phe947Leufs*3) in the SMARCA4 gene. It is expected to result in an absent or disrupted protein product. Loss-of-function variants in SMARCA4 are known to be pathogenic (PMID: 24658001, 24658002).

Ambry Genetics
Classification: Pathogenic for Hereditary cancer-predisposing syndrome. Last evaluated: 2021-01-12. Review status: criteria provided, single submitter. Criteria: Ambry Variant Classification Scheme 2023. Collection method: clinical testing. Allele origin: germline.
Comment: The c.2838delC pathogenic mutation, located in coding exon 18 of the SMARCA4 gene, results from a deletion of one nucleotide at nucleotide position 2838, causing a translational frameshift with a predicted alternate stop codon (p.F947Lfs*3). This alteration has been observed in at least one individual with a personal and/or family history that is consistent with small cell carcinoma of the ovary-hypercalcemic type (SCCOHT) (Ambry internal data). This alteration has also been reported as a somatic mutation in SCCOHT and in uterine sarcoma tumors (Witkowski L et al. Nat Genet, 2014 May;46:438-43; Lin DI et al. Mod Pathol, 2019 11;32:1675-1687). This variant was not reported in population-based cohorts in the Genome Aggregation Database (gnomAD). This alteration is expected to result in loss of function by premature protein truncation or nonsense-mediated mRNA decay. Loss-of-function variants in SMARCA4 are known to cause rhabdoid tumor predisposition syndrome including small cell carcinoma of the ovary-hypercalcemic type (SCCOHT); however, such associations with neurodevelopmental disorders are exceedingly rare (Kosho T et al. Am J Med Genet C Semin Med Genet. 2014 Sep;166C(3):262-75; Jelinic P et al. Nat Genet. 2014 May;46(5):424-6). Based on the supporting evidence, this alteration is pathogenic for rhabdoid tumor predisposition syndrome; however, the association of this alteration with Coffin-Siris syndrome is unlikely.

Literature cited by the submitters: PubMed 24658001 (cited by Labcorp Genetics (formerly Invitae), Labcorp); PubMed 24658002 (cited by Labcorp Genetics (formerly Invitae), Labcorp and Ambry Genetics); PubMed 31190001 (cited by Ambry Genetics).